The following is an entry in ClinVar:

ClinVar aggregate classification (germline): Uncertain significance (1 of 4 stars; one submission).

Conditions:
Immunodeficiency. Identifiers: MedGen C0021051, MONDO:0021094, HP:0002721.

gnomAD v4.1: 1 of 1,614,042 alleles (0.000062%); highest among the groups gnomAD compares: Non-Finnish European, 0.000085%; no homozygotes.

Submission:

Labcorp Genetics (formerly Invitae), Labcorp
Classification: Uncertain significance for Immunodeficiency. Last evaluated: 2023-08-10. Review status: criteria provided, single submitter. Criteria: Invitae Variant Classification Sherloc (09022015). Collection method: clinical testing. Allele origin: germline.
Comment: In summary, the available evidence is currently insufficient to determine the role of this variant in disease. Therefore, it has been classified as a Variant of Uncertain Significance. An algorithm developed to predict the effect of missense changes on protein structure and function (PolyPhen-2) suggests that this variant is likely to be disruptive. ClinVar contains an entry for this variant (Variation ID: 526776). This variant has not been reported in the literature in individuals affected with NFAT5-related conditions. This variant is not present in population databases (gnomAD no frequency). This sequence change replaces glutamine, which is neutral and polar, with histidine, which is basic and polar, at codon 980 of the NFAT5 protein (p.Gln980His).

NM_138713.4(NFAT5):c.3222A>C (p.Gln1074His)

Gene: NFAT5 (nuclear factor of activated T cells 5; plus strand). Cytogenetic location: 16q22.1.
Variant type: single nucleotide variant.
Coding change: c.3222A>C on transcript NM_138713.4 (MANE Select); coding-DNA position 3222, A replaced by C.
Protein change: p.Gln1074His; replaces glutamine 1074 with histidine.
Molecular consequence: missense variant.
Genome position (GRCh38, 1-based): chr16:69,693,047, A>C. VCF-style: chr16-69693047-A-C. GRCh37 (hg19) VCF-style: chr16-69726950-A-C.
Other names: c.3219A>C, p.Gln1073His (NM_001113178.3); c.2547A>C, p.Gln849His (NM_001367709.1); c.3168A>C, p.Gln1056His (NM_006599.4); c.2940A>C, p.Gln980His (NM_138714.4, NM_173214.3, NM_173215.3); c.3222A>C, p.Gln1074His (LRG_1332t1); short protein forms Q980H, Q1074H, Q1056H, Q849H, Q1073H.
Identifiers: ClinVar variation 526776 (VCV000526776.9), dbSNP rs754574529, ClinGen allele CA396512537.
Genomic context (GRCh38, chr16:69,693,047, plus strand): 5'-TGGTACCCAACAACAAGGTAATGGTTTATTCCAGCAAGGGAATGAGATGATGTCACTTCA[A>C]TCTGGAAATTTTTTGCAGCAGTCTTCTCATTCACAGGCCCAACTTTTTCATCCTCAAAAT-3'
Protein context (NP_619727.2, residues 1064-1084): FQQGNEMMSL[Gln1074His]SGNFLQQSSH